The following is an entry in ClinVar:

ClinVar aggregate classification (germline): Likely benign. Review status: criteria provided, multiple submitters, no conflicts (2 of 4 stars). 2 submissions from 2 submitters: Likely benign (2). Last evaluated 2026-03-03.

Conditions:
Left ventricular noncompaction 8 (LVNC8). Identifiers: Orphanet 154, Orphanet 54260, MedGen C3809288, MONDO:0014152, OMIM 615373.

gnomAD v4.1: 38 of 1,612,962 alleles (0.0024%); highest among the groups gnomAD compares: South Asian, 0.0055%; no homozygotes.

Submissions (2):

Women's Health and Genetics/Laboratory Corporation of America, LabCorp
Classification: Likely benign. Last evaluated: 2026-03-03. Review status: criteria provided, single submitter. Criteria: LabCorp Variant Classification Summary - May 2015. Collection method: clinical testing. Allele origin: germline.
Comment: Variant summary: PRDM16 c.810C>T alters a conserved nucleotide resulting in a synonymous change. Consensus agreement among computation tools predict no significant impact on normal splicing. However, these predictions have yet to be confirmed by functional studies. The variant allele was found at a frequency of 3.2e-05 in 248082 control chromosomes. The available data on variant occurrences in the general population are insufficient to allow any conclusion about variant significance. To our knowledge, no occurrence of c.810C>T in individuals affected with PRDM16-related conditions and no experimental evidence demonstrating its impact on protein function have been reported. ClinVar contains an entry for this variant (Variation ID: 4739920). Based on the evidence outlined above, the variant was classified as likely benign.

Labcorp Genetics (formerly Invitae), Labcorp
Classification: Likely benign for Left ventricular noncompaction 8. Last evaluated: 2025-02-19. Review status: criteria provided, single submitter. Criteria: Invitae Variant Classification Sherloc (09022015). Collection method: clinical testing. Allele origin: germline.

NM_022114.4(PRDM16):c.810C>T (p.Pro270=)

Gene: PRDM16 (PR/SET domain 16; plus strand). Cytogenetic location: 1p36.32.
Variant type: single nucleotide variant.
Coding change: c.810C>T on transcript NM_022114.4 (MANE Select); coding-DNA position 810, C replaced by T.
Protein change: p.Pro270=; no amino-acid change (proline 270 retained).
Molecular consequence: synonymous variant.
Genome position (GRCh38, 1-based): chr1:3,402,924, C>T. VCF-style: chr1-3402924-C-T. GRCh37 (hg19) VCF-style: chr1-3319488-C-T.
Other names: c.810C>T, p.Pro270= (NM_199454.3).
Identifiers: ClinVar variation 4739920 (VCV004739920.2).
Genomic context (GRCh38, chr1:3,402,924, plus strand): 5'-GTACACGTGTGGCTCAGTGGGGGCTGCGCTCTACGAGGGCCTGGCTGAGGAGCTCAAGCC[C>T]GAGGGCCTTGGCGGTGGCAGCGGCCAAGCCCACGAGTGCAAGGACTGCGAGCGGATGTTC-3'
Protein context (NP_071397.3, residues 260-280): LYEGLAEELK[Pro270=]EGLGGGSGQA